The following is an entry in ClinVar:

ClinVar aggregate classification (germline): Uncertain significance (1 of 4 stars; one submission).

Allele frequency attached by ClinVar (database versions not stated): TOPMed below 0.00001; ExAC 0.00001.

Submission:

Labcorp Genetics (formerly Invitae), Labcorp
Classification: Uncertain significance. Last evaluated: 2023-11-19. Review status: criteria provided, single submitter. Criteria: Invitae Variant Classification Sherloc (09022015). Collection method: clinical testing. Allele origin: germline.
Comment: This sequence change replaces glutamine, which is neutral and polar, with glutamic acid, which is acidic and polar, at codon 714 of the ERCC3 protein (p.Gln714Glu). This variant is present in population databases (rs748634294, gnomAD 0.0009%). This variant has not been reported in the literature in individuals affected with ERCC3-related conditions. Advanced modeling of protein sequence and biophysical properties (such as structural, functional, and spatial information, amino acid conservation, physicochemical variation, residue mobility, and thermodynamic stability) performed at Invitae indicates that this missense variant is not expected to disrupt ERCC3 protein function with a negative predictive value of 80%. In summary, the available evidence is currently insufficient to determine the role of this variant in disease. Therefore, it has been classified as a Variant of Uncertain Significance.

NM_000122.2(ERCC3):c.2140C>G (p.Gln714Glu)

Gene: ERCC3 (ERCC excision repair 3, TFIIH core complex helicase subunit; minus strand). Cytogenetic location: 2q14.3.
Variant type: single nucleotide variant.
Coding change: c.2140C>G on transcript NM_000122.2 (MANE Select); coding-DNA position 2140, C replaced by G.
Protein change: p.Gln714Glu; replaces glutamine 714 with glutamic acid.
Molecular consequence: missense variant.
Genome position (GRCh38, 1-based): chr2:127,259,373, G>C on the plus strand (C>G on the coding strand, the complement: ERCC3 is on the minus strand). VCF-style: chr2-127259373-G-C. GRCh37 (hg19) VCF-style: chr2-128016949-G-C.
Other names: c.1948C>G, p.Gln650Glu (NM_001303416.2, NM_001303418.2); short protein forms Q650E, Q714E.
Identifiers: ClinVar variation 2804402 (VCV002804402.3), dbSNP rs748634294, ClinGen allele CA1858070.